The following is an entry in ClinVar:

NM_000440.3(PDE6A):c.951G>T (p.Lys317Asn)

Gene: PDE6A (phosphodiesterase 6A; minus strand). Cytogenetic location: 5q32.
Variant type: single nucleotide variant.
Coding change: c.951G>T on transcript NM_000440.3 (MANE Select); coding-DNA position 951, G replaced by T.
Protein change: p.Lys317Asn; replaces lysine 317 with asparagine.
Molecular consequence: missense variant.
Genome position (GRCh38, 1-based): chr5:149,914,990, C>A on the plus strand (G>T on the coding strand, the complement: PDE6A is on the minus strand). VCF-style: chr5-149914990-C-A. GRCh37 (hg19) VCF-style: chr5-149294553-C-A.
Other names: short protein forms K317N.
Identifiers: ClinVar variation 1386388 (VCV001386388.6), dbSNP rs1243383426, ClinGen allele CA361699245.

ClinVar aggregate classification (germline): Uncertain significance (1 of 4 stars; one submission).

Submission:

Labcorp Genetics (formerly Invitae), Labcorp
Classification: Uncertain significance. Last evaluated: 2021-10-12. Review status: criteria provided, single submitter. Criteria: Invitae Variant Classification Sherloc (09022015). Collection method: clinical testing. Allele origin: germline.
Comment: This variant has not been reported in the literature in individuals affected with PDE6A-related conditions. In summary, the available evidence is currently insufficient to determine the role of this variant in disease. Therefore, it has been classified as a Variant of Uncertain Significance. Algorithms developed to predict the effect of missense changes on protein structure and function (SIFT, PolyPhen-2, Align-GVGD) all suggest that this variant is likely to be disruptive. This variant is not present in population databases (ExAC no frequency). This sequence change replaces lysine with asparagine at codon 317 of the PDE6A protein (p.Lys317Asn). The lysine residue is highly conserved and there is a moderate physicochemical difference between lysine and asparagine.